The following is an entry in ClinVar:

ClinVar aggregate classification (germline): Uncertain significance (1 of 4 stars; one submission).

Submission:

Labcorp Genetics (formerly Invitae), Labcorp
Classification: Uncertain significance. Last evaluated: 2023-10-05. Review status: criteria provided, single submitter. Criteria: Invitae Variant Classification Sherloc (09022015). Collection method: clinical testing. Allele origin: germline.
Comment: This sequence change falls in intron 7 of the POLR1A gene. It does not directly change the encoded amino acid sequence of the POLR1A protein. It affects a nucleotide within the consensus splice site. This variant is not present in population databases (gnomAD no frequency). This variant has not been reported in the literature in individuals affected with POLR1A-related conditions. Variants that disrupt the consensus splice site are a relatively common cause of aberrant splicing (PMID: 17576681, 9536098). Algorithms developed to predict the effect of sequence changes on RNA splicing suggest that this variant may disrupt the consensus splice site. In summary, the available evidence is currently insufficient to determine the role of this variant in disease. Therefore, it has been classified as a Variant of Uncertain Significance.

Literature cited by the submitters: PubMed 17576681; PubMed 9536098.

NM_015425.6(POLR1A):c.818-3C>A

Gene: POLR1A (RNA polymerase I subunit A; minus strand). Cytogenetic location: 2p11.2.
Variant type: single nucleotide variant.
Coding change: c.818-3C>A on transcript NM_015425.6 (MANE Select); 3 bases into the intron before coding-DNA position 818, C replaced by A.
Molecular consequence: intron variant.
Genome position (GRCh38, 1-based): chr2:86,081,709, G>T on the plus strand (C>A on the coding strand, the complement: POLR1A is on the minus strand). VCF-style: chr2-86081709-G-T. GRCh37 (hg19) VCF-style: chr2-86308832-G-T.
Identifiers: ClinVar variation 2695621 (VCV002695621.3), dbSNP rs2466454744, ClinGen allele CA2659909834.